The following is an entry in ClinVar:

NM_001267550.2(TTN):c.14536G>A (p.Ala4846Thr)

Gene: TTN (titin; minus strand). Cytogenetic location: 2q31.2.
Variant type: single nucleotide variant.
Coding change: c.14536G>A on transcript NM_001267550.2 (MANE Select); coding-DNA position 14536, G replaced by A.
Protein change: p.Ala4846Thr; replaces alanine 4846 with threonine.
Molecular consequence: missense variant. On other transcripts: intron variant (3).
Genome position (GRCh38, 1-based): chr2:178,735,910, C>T on the plus strand (G>A on the coding strand, the complement: TTN is on the minus strand). VCF-style: chr2-178735910-C-T. GRCh37 (hg19) VCF-style: chr2-179600637-C-T.
Other names: c.13585G>A, p.Ala4529Thr (NM_001256850.1); c.10804G>A, p.Ala3602Thr (NM_133378.4); c.13282+2172G>A (NM_003319.4); c.13858+2172G>A (NM_133437.4); c.13657+2172G>A (NM_133432.3); short protein forms A4846T, A4529T, A3602T.
Identifiers: ClinVar variation 405160 (VCV000405160.29), dbSNP rs752150323, ClinGen allele CA2002382.

ClinVar aggregate classification (germline): Conflicting classifications of pathogenicity. Review status: criteria provided, conflicting classifications (1 of 4 stars). 8 submissions from 8 submitters: Uncertain significance (6); Likely benign (2). Last evaluated 2026-09-01.

Conditions:
TTN-related disorder. Also called: TTN-related condition; TTN-related disease; TTN-related disorders.
Autosomal recessive limb-girdle muscular dystrophy type 2J (LGMDR10). Also called: Limb-girdle muscular dystrophy, type 2J; MUSCULAR DYSTROPHY, LIMB-GIRDLE, AUTOSOMAL RECESSIVE 10. Identifiers: Orphanet 140922, MedGen C1837342, MONDO:0012127, OMIM 608807.
Dilated cardiomyopathy 1G (CMD1G). Identifiers: Orphanet 154, MedGen C1858763, MONDO:0011400, OMIM 604145.
Myopathy, myofibrillar, 9, with early respiratory failure (MFM9). Also called: Hereditary myopathy with early respiratory failure; Myopathy, distal, with early respiratory failure, autosomal dominant; EDSTROM MYOPATHY; MYOPATHY, PROXIMAL, WITH EARLY RESPIRATORY MUSCLE INVOLVEMENT. Identifiers: Orphanet 178464, Orphanet 34521, MedGen C1863599, MONDO:0011362, OMIM 603689.
Cardiomyopathy (CMYO). Also called: Cardiomyopathies. Identifiers: Orphanet 167848, MedGen C0878544, MONDO:0004994, HP:0001638. Inheritance: Various modes of inheritance.

Allele frequency attached by ClinVar (database versions not stated): ExAC 0.00002; gnomAD 0.00002; gnomAD exomes 0.00004.
gnomAD v4.1: 60 of 1,613,710 alleles (0.0037%); highest among the groups gnomAD compares: Admixed American, 0.018%; 1 homozygote.

Submissions (8):

CeGaT Center for Human Genetics Tuebingen
Classification: Likely benign. Last evaluated: 2026-09-01. Review status: criteria provided, single submitter. Criteria: CeGaT Center For Human Genetics Tuebingen Variant Classification Criteria Version 2. Collection method: clinical testing. Allele origin: germline. Affected: yes. Observed: 2 variant alleles.
Comment: TTN: BP1, BP4

PreventionGenetics, part of Exact Sciences
Classification: Uncertain significance for TTN-related condition. Last evaluated: 2026-08-17. Review status: criteria provided, single submitter. Criteria: ACMG Guidelines, 2015. Collection method: clinical testing. Allele origin: germline.
Comment: The TTN c.14536G>A variant is predicted to result in the amino acid substitution p.Ala4846Thr. This variant has been reported in an individual with dilated cardiomyopathy (reported as p.A4529T from transcript NM_001256850, Peña-Peña et al. 2020. PubMed ID: 32826072). This variant is reported in 0.020% of alleles in individuals of Latino descent in gnomAD and has conflicting interpretations in ClinVar, ranging from uncertain to likely benign (Variation ID: 405160). At this time, the clinical significance of this variant is uncertain due to the absence of conclusive functional and genetic evidence.

Women's Health and Genetics/Laboratory Corporation of America, LabCorp
Classification: Uncertain significance. Last evaluated: 2024-12-13. Review status: criteria provided, single submitter. Criteria: LabCorp Variant Classification Summary - May 2015. Collection method: clinical testing. Allele origin: germline.
Comment: Variant summary: TTN c.10804G>A (p.Ala3602Thr), also reported as also reported as A4529T (NM_001256850), results in a non-conservative amino acid change in the encoded protein sequence. One of two in-silico tools predict a benign effect of the variant on protein function. The variant allele was found at a frequency of 3.6e-05 in 248916 control chromosomes. The available data on variant occurrences in the general population are insufficient to allow any conclusion about variant significance. c.10804G>A has been reported in the literature in at least 1 individual affected with Dilated Cardiomyopathy (example, Pena-Pena_2021), without strong evidence for causality. These report(s) do not provide unequivocal conclusions about association of the variant with TTN-related conditions. To our knowledge, no experimental evidence demonstrating an impact on protein function has been reported. The following publication have been ascertained in the context of this evaluation (PMID: 32826072). ClinVar contains an entry for this variant (Variation ID: 405160). Based on the evidence outlined above, the variant was classified as uncertain significance.

Revvity Omics, Revvity
Classification: Uncertain significance. Last evaluated: 2024-04-03. Review status: criteria provided, single submitter. Criteria: ACMG Guidelines, 2015. Collection method: clinical testing. Allele origin: germline.

GeneDx
Classification: Likely benign. Last evaluated: 2021-10-05. Review status: criteria provided, single submitter. Criteria: GeneDx Variant Classification Process June 2021. Collection method: clinical testing. Allele origin: germline. Affected: yes.
Comment: This variant is associated with the following publications: (PMID: 26582918)

CHEO Genetics Diagnostic Laboratory, Children's Hospital of Eastern Ontario
Classification: Uncertain significance for Cardiomyopathy. Last evaluated: 2020-03-11. Review status: criteria provided, single submitter. Criteria: ACMG Guidelines, 2015. Collection method: clinical testing. Allele origin: germline. Study: Canadian Open Genetics Repository.

Baylor Genetics
Classification: Uncertain significance for Myopathy, myofibrillar, 9, with early respiratory failure. Last evaluated: 2018-02-13. Review status: criteria provided, single submitter. Criteria: ACMG Guidelines, 2015. Collection method: clinical testing. Allele origin: paternal. Affected: yes.
Comment: This variant was determined to be of uncertain significance according to ACMG Guidelines, 2015 [PMID:25741868].

Labcorp Genetics (formerly Invitae), Labcorp
Classification: Uncertain significance for Dilated cardiomyopathy 1G; Autosomal recessive limb-girdle muscular dystrophy type 2J. Last evaluated: 2017-12-07. Review status: criteria provided, single submitter. Criteria: Invitae Variant Classification Sherloc (09022015). Collection method: clinical testing. Allele origin: germline.

Literature cited by the submitters: PubMed 32826072 (cited by Women's Health and Genetics/Laboratory Corporation of America, LabCorp).